The following is an entry in ClinVar:

ClinVar aggregate classification (germline): Pathogenic (1 of 4 stars; one submission).

Conditions:
Methylmalonic aciduria and homocystinuria type cblF. Also called: COBALAMIN F DISEASE; COBALAMIN, DEFECT IN LYSOSOMAL RELEASE OF; METHYLMALONIC ACIDEMIA AND HOMOCYSTINURIA, cblF TYPE; METHYLMALONIC ACIDURIA DUE TO VITAMIN B12-RELEASE DEFECT; VITAMIN B12 LYSOSOMAL RELEASE DEFECT; VITAMIN B12 STORAGE DISEASE. Identifiers: Orphanet 79284, MedGen C1848578, MONDO:0010183, OMIM 277380.

Submission:

Labcorp Genetics (formerly Invitae), Labcorp
Classification: Pathogenic for Methylmalonic aciduria and homocystinuria type cblF. Last evaluated: 2022-02-24. Review status: criteria provided, single submitter. Criteria: Invitae Variant Classification Sherloc (09022015). Collection method: clinical testing. Allele origin: germline.
Comment: A gross deletion of the genomic region encompassing the full coding sequence of the LMBRD1 gene has been identified. Loss-of-function variants in LMBRD1 are known to be pathogenic (PMID: 19136951, 21303734). The boundaries of this event are unknown as they extend beyond the assayed region for this gene and therefore may encompass additional genes. This variant has not been reported in the literature in individuals affected with LMBRD1-related conditions. For these reasons, this variant has been classified as Pathogenic.

Literature cited by the submitters: PubMed 19136951; PubMed 21303734.

NC_000006.11:g.(?_70386050)_(71012627_?)del

Genes: COL19A1 (collagen type XIX alpha 1 chain; plus strand), COL9A1 (collagen type IX alpha 1 chain; minus strand), LMBRD1 (LMBR1 domain containing 1; minus strand). Cytogenetic location: 6q13.
Variant type: Deletion.
Identifiers: ClinVar variation 1456629 (VCV001456629.6).